The following is an entry in ClinVar:

ClinVar aggregate classification (germline): Uncertain significance (1 of 4 stars; one submission).

Submission:

Ambry Genetics
Classification: Uncertain significance. Last evaluated: 2022-04-22. Review status: criteria provided, single submitter. Criteria: Ambry Variant Classification Scheme 2023. Collection method: clinical testing. Allele origin: germline.
Comment: The p.M61T variant (also known as c.182T>C), located in coding exon 1 of the MLH3 gene, results from a T to C substitution at nucleotide position 182. The methionine at codon 61 is replaced by threonine, an amino acid with similar properties. This amino acid position is conserved. In addition, this alteration is predicted to be deleterious by in silico analysis. Since supporting evidence is limited at this time, the clinical significance of this alteration remains unclear.

NM_001040108.2(MLH3):c.182T>C (p.Met61Thr)

Gene: MLH3 (mutL homolog 3; minus strand). Cytogenetic location: 14q24.3.
Variant type: single nucleotide variant.
Coding change: c.182T>C on transcript NM_001040108.2 (MANE Select); coding-DNA position 182, T replaced by C.
Protein change: p.Met61Thr; replaces methionine 61 with threonine.
Molecular consequence: missense variant.
Genome position (GRCh38, 1-based): chr14:75,049,474, A>G on the plus strand (T>C on the coding strand, the complement: MLH3 is on the minus strand). VCF-style: chr14-75049474-A-G. GRCh37 (hg19) VCF-style: chr14-75516177-A-G.
Other names: c.182T>C, p.Met61Thr (NM_014381.3); short protein forms M61T.
Identifiers: ClinVar variation 1780926 (VCV001780926.2), dbSNP rs2503335129, ClinGen allele CA390451404.